The following is an entry in ClinVar:

ClinVar aggregate classification (germline): Uncertain significance. Review status: criteria provided, multiple submitters, no conflicts (2 of 4 stars). 3 submissions from 3 submitters: Uncertain significance (2). 1 of the submissions does not count toward it. Last evaluated 2024-10-16.

Conditions:
Tuberous sclerosis 2 (TSC2). Identifiers: Orphanet 805, MedGen C1860707, MONDO:0013199, OMIM 613254.
Hereditary cancer-predisposing syndrome. Also called: Neoplastic Syndromes, Hereditary; Hereditary neoplastic syndrome; Hereditary Cancer Syndrome; Tumor predisposition. Identifiers: Orphanet 140162, MedGen C0027672, MeSH D009386, MONDO:0015356.

Allele frequency attached by ClinVar (database versions not stated): 1000 Genomes Project 30x 0.00016; gnomAD 0.00001.

Submissions (3):

Labcorp Genetics (formerly Invitae), Labcorp
Classification: Uncertain significance for Tuberous sclerosis 2. Last evaluated: 2024-10-16. Review status: criteria provided, single submitter. Criteria: Invitae Variant Classification Sherloc (09022015). Collection method: clinical testing. Allele origin: germline.
Comment: This sequence change replaces aspartic acid, which is acidic and polar, with tyrosine, which is neutral and polar, at codon 529 of the TSC2 protein (p.Asp529Tyr). This variant is not present in population databases (gnomAD no frequency). This variant has not been reported in the literature in individuals affected with TSC2-related conditions. ClinVar contains an entry for this variant (Variation ID: 591296). Invitae Evidence Modeling of protein sequence and biophysical properties (such as structural, functional, and spatial information, amino acid conservation, physicochemical variation, residue mobility, and thermodynamic stability) indicates that this missense variant is not expected to disrupt TSC2 protein function with a negative predictive value of 95%. In summary, the available evidence is currently insufficient to determine the role of this variant in disease. Therefore, it has been classified as a Variant of Uncertain Significance.

Ambry Genetics
Classification: Uncertain significance for Hereditary cancer-predisposing syndrome. Last evaluated: 2023-11-19. Review status: criteria provided, single submitter. Criteria: Ambry Variant Classification Scheme 2023. Collection method: clinical testing. Allele origin: germline.
Comment: The p.D529Y variant (also known as c.1585G>T), located in coding exon 14 of the TSC2 gene, results from a G to T substitution at nucleotide position 1585. The aspartic acid at codon 529 is replaced by tyrosine, an amino acid with highly dissimilar properties. This amino acid position is conserved. In addition, this alteration is predicted to be deleterious by in silico analysis. Since supporting evidence is limited at this time, the clinical significance of this alteration remains unclear.

Gharavi Laboratory, Columbia University
Classification: Uncertain significance. Last evaluated: 2018-09-16. Review status: no assertion criteria provided. Criteria: ACMG Guidelines, 2015. Collection method: research. Allele origin: germline. Affected: yes. Not counted in ClinVar's aggregate classification.

NM_000548.5(TSC2):c.1585G>T (p.Asp529Tyr)

Gene: TSC2 (TSC complex subunit 2; plus strand). Cytogenetic location: 16p13.3.
Variant type: single nucleotide variant.
Coding change: c.1585G>T on transcript NM_000548.5 (MANE Select); coding-DNA position 1585, G replaced by T.
Protein change: p.Asp529Tyr; replaces aspartic acid 529 with tyrosine.
Molecular consequence: missense variant.
Genome position (GRCh38, 1-based): chr16:2,064,413, G>T. VCF-style: chr16-2064413-G-T. GRCh37 (hg19) VCF-style: chr16-2114414-G-T.
Other names: c.1585G>T, p.Asp529Tyr (NM_001077183.3, NM_001114382.3, NM_001363528.2 and 3 more transcripts); c.1474G>T, p.Asp492Tyr (NM_001318827.2); c.1438G>T, p.Asp480Tyr (NM_001318829.2); c.985G>T, p.Asp329Tyr (NM_001318831.2); c.1618G>T, p.Asp540Tyr (NM_001318832.2); c.1585G>T (NM_000548.3); short protein forms D529Y, D540Y, D492Y, D329Y, D480Y.
Identifiers: ClinVar variation 591296 (VCV000591296.4), dbSNP rs1567438280, ClinGen allele CA394326718.